The following is an entry in ClinVar:

NM_033343.4(LHX4):c.384C>T (p.Asp128=)

Gene: LHX4 (LIM homeobox 4; plus strand). Cytogenetic location: 1q25.2.
Variant type: single nucleotide variant.
Coding change: c.384C>T on transcript NM_033343.4 (MANE Select); coding-DNA position 384, C replaced by T.
Protein change: p.Asp128=; no amino-acid change (aspartic acid 128 retained).
Molecular consequence: synonymous variant.
Genome position (GRCh38, 1-based): chr1:180,266,527, C>T. VCF-style: chr1-180266527-C-T. GRCh37 (hg19) VCF-style: chr1-180235662-C-T.
Identifiers: ClinVar variation 293863 (VCV000293863.42), dbSNP rs141139762, ClinGen allele CA1271867.

ClinVar aggregate classification (germline): Benign/Likely benign. Review status: criteria provided, multiple submitters, no conflicts (2 of 4 stars). 6 submissions from 6 submitters: Benign (5); Likely benign (1). Last evaluated 2026-05-11.

Conditions:
Short stature-pituitary and cerebellar defects-small sella turcica syndrome (CPHD4). Also called: Pituitary hormone deficiency, combined with or without cerebellar defects; Short stature, pituitary and cerebellar defects and small sella turcica. Identifiers: Orphanet 85442, MedGen C2678408, MONDO:0009880, OMIM 262700.

Allele frequency attached by ClinVar (database versions not stated): 1000 Genomes Project 30x 0.00656; 1000 Genomes Project 0.00699; gnomAD 0.00712; TOPMed 0.00780; ESP Exome Variant Server 0.00900; gnomAD exomes 0.00923.
gnomAD v4.1: 14,689 of 1,614,166 alleles (0.91%); highest among the groups gnomAD compares: Middle Eastern, 1.9%; 88 homozygotes.

Submissions (6):

Women's Health and Genetics/Laboratory Corporation of America, LabCorp
Classification: Benign. Last evaluated: 2026-05-11. Review status: criteria provided, single submitter. Criteria: LabCorp Variant Classification Summary - May 2015. Collection method: clinical testing. Allele origin: germline.

Labcorp Genetics (formerly Invitae), Labcorp
Classification: Benign. Last evaluated: 2026-01-15. Review status: criteria provided, single submitter. Criteria: Invitae Variant Classification Sherloc (09022015). Collection method: clinical testing. Allele origin: germline.

CeGaT Center for Human Genetics Tuebingen
Classification: Benign. Last evaluated: 2024-06-01. Review status: criteria provided, single submitter. Criteria: CeGaT Center For Human Genetics Tuebingen Variant Classification Criteria Version 2. Collection method: clinical testing. Allele origin: germline. Affected: yes. Observed: 5 variant alleles.
Comment: LHX4: BP4, BP7, BS1, BS2

Fulgent Genetics
Classification: Likely benign for Short stature-pituitary and cerebellar defects-small sella turcica syndrome. Last evaluated: 2021-12-10. Review status: criteria provided, single submitter. Criteria: ACMG Guidelines, 2015. Collection method: clinical testing. Allele origin: unknown.

Illumina Laboratory Services, Illumina
Classification: Benign for Short stature-pituitary and cerebellar defects-small sella turcica syndrome. Last evaluated: 2018-01-12. Review status: criteria provided, single submitter. Criteria: ICSL Variant Classification Criteria 13 December 2019. Collection method: clinical testing. Allele origin: germline.
Comment: This variant was observed in the ICSL laboratory as part of a predisposition screen in an ostensibly healthy population. It had not been previously curated by ICSL or reported in the Human Gene Mutation Database (HGMD: prior to June 1st, 2018), and was therefore a candidate for classification through an automated scoring system. Utilizing variant allele frequency, disease prevalence and penetrance estimates, and inheritance mode, an automated score was calculated to assess if this variant is too frequent to cause the disease. Based on the score and internal cut-off values, a variant classified as benign is not then subjected to further curation. The score for this variant resulted in a classification of benign for this disease.

Breakthrough Genomics
Classification: Benign. Review status: criteria provided, single submitter. Criteria: ACMG Guidelines, 2015. Collection method: not provided. Allele origin: germline. Inheritance: Autosomal dominant inheritance. Affected: yes.